The following is an entry in ClinVar:

NM_001164508.2(NEB):c.24131del (p.Asn8044fs)

Genes: NEB (nebulin; minus strand), RIF1 (replication timing regulatory factor 1; plus strand). Cytogenetic location: 2q23.3.
Variant type: Deletion.
Coding change: c.24131del on transcript NM_001164508.2 (MANE Select); coding-DNA position 24131, one base deleted (A; older notation c.24131delA).
Protein change: p.Asn8044fs; shifts the reading frame from asparagine 8044.
Molecular consequence: frameshift variant. On other transcripts: intron variant (1).
Genome position (GRCh38, 1-based): chr2:151,498,336, T deleted on the plus strand (A on the coding strand, the reverse complement: NEB is on the minus strand); the first of 4 consecutive T bases (chr2:151,498,336-151,498,339); deleting any one gives the same sequence. VCF-style (leftmost placement, unchanged base first): chr2-151498335-GT-G. GRCh37 (hg19) VCF-style: chr2-152354849-GT-G.
Other names: c.24236del (NM_001271208.1); c.24131del, p.Asn8044fs (NM_001164507.2); c.24233delA, p.Asn8079Thrfs (NM_001271208.1); c.24236del, p.Asn8079fs (NM_001271208.2); c.18826-1968del (NM_004543.5); short protein forms N8044fs, N8079fs.
Identifiers: ClinVar variation 2677120 (VCV002677120.2), dbSNP rs2551872366, ClinGen allele CA2695197022.

ClinVar aggregate classification (germline): Likely pathogenic. Review status: criteria provided, multiple submitters, no conflicts (2 of 4 stars). 2 submissions from 2 submitters: Likely pathogenic (2). Last evaluated 2024-07-25.

Conditions:
Nemaline myopathy 2 (NEM2). Also called: Nemaline myopathy 2, autosomal recessive. Identifiers: MedGen C1850569, MONDO:0009725, OMIM 256030.
Arthrogryposis multiplex congenita 6. Identifiers: MedGen C5543431, MONDO:0030281, OMIM 619334.

Submissions (2):

Natera, Inc.
Classification: Likely pathogenic for Nemaline myopathy type 2. Last evaluated: 2024-07-25. Review status: criteria provided, single submitter. Criteria: Natera Variant Classification Schema (03/2026). Collection method: clinical testing. Allele origin: germline.
Comment: The c.24236del variant in NEB is a frameshift variant predicted to shift the reading frame beginning at codon 8079 and leads to a stop codon 101 codons downstream. This variant is expected to result in nonsense mediated decay, truncation, or a dysfunctional protein product. This variant is rare in the general population with a frequency below the threshold expected for the associated phenotype(s). Given the available evidence, this variant is classified as Likely Pathogenic.

Baylor Genetics
Classification: Likely pathogenic for Arthrogryposis multiplex congenita 6. Last evaluated: 2023-03-20. Review status: criteria provided, single submitter. Criteria: ACMG Guidelines, 2015. Collection method: clinical testing. Allele origin: unknown.